The following is an entry in ClinVar:

ClinVar aggregate classification (germline): Uncertain significance. Review status: criteria provided, multiple submitters, no conflicts (2 of 4 stars). 2 submissions from 2 submitters: Uncertain significance (2). Last evaluated 2025-08-14.

Conditions:
CACNA1F-related disorder. Also called: CACNA1F-related condition.

Allele frequency attached by ClinVar (database versions not stated): TOPMed 0.00001; gnomAD 0.00003; gnomAD exomes 0.00003.
gnomAD v4.1: 42 of 1,170,543 alleles (0.0036%); highest among the groups gnomAD compares: Non-Finnish European, 0.0048%; no homozygotes.

Submissions (2):

PreventionGenetics, part of Exact Sciences
Classification: Uncertain significance for CACNA1F-related condition. Last evaluated: 2025-08-14. Review status: criteria provided, single submitter. Criteria: ACMG Guidelines, 2015. Collection method: clinical testing. Allele origin: germline.
Comment: The CACNA1F c.1619T>A variant is predicted to result in the amino acid substitution p.Phe540Tyr. To our knowledge, this variant has not been reported in the literature. This variant is reported in 0.0083% of alleles in individuals of European (Non-Finnish) descent in gnomAD. At this time, the clinical significance of this variant is uncertain due to the absence of conclusive functional and genetic evidence.

Labcorp Genetics (formerly Invitae), Labcorp
Classification: Uncertain significance. Last evaluated: 2025-06-12. Review status: criteria provided, single submitter. Criteria: Invitae Variant Classification Sherloc (09022015). Collection method: clinical testing. Allele origin: germline.
Comment: This sequence change replaces phenylalanine, which is neutral and non-polar, with tyrosine, which is neutral and polar, at codon 540 of the CACNA1F protein (p.Phe540Tyr). This variant is present in population databases (rs782119108, gnomAD 0.009%). This variant has not been reported in the literature in individuals affected with CACNA1F-related conditions. ClinVar contains an entry for this variant (Variation ID: 1418216). Invitae Evidence Modeling of protein sequence and biophysical properties (such as structural, functional, and spatial information, amino acid conservation, physicochemical variation, residue mobility, and thermodynamic stability) has been performed for this missense variant. However, the output from this modeling did not meet the statistical confidence thresholds required to predict the impact of this variant on CACNA1F protein function. In summary, the available evidence is currently insufficient to determine the role of this variant in disease. Therefore, it has been classified as a Variant of Uncertain Significance.

NM_001256789.3(CACNA1F):c.1586T>A (p.Phe529Tyr)

Gene: CACNA1F (calcium voltage-gated channel subunit alpha1 F; minus strand). Cytogenetic location: Xp11.23.
Variant type: single nucleotide variant.
Coding change: c.1586T>A on transcript NM_001256789.3 (MANE Select); coding-DNA position 1586, T replaced by A.
Protein change: p.Phe529Tyr; replaces phenylalanine 529 with tyrosine.
Molecular consequence: missense variant.
Genome position (GRCh38, 1-based): chrX:49,225,974, A>T on the plus strand (T>A on the coding strand, the complement: CACNA1F is on the minus strand). VCF-style: chrX-49225974-A-T. GRCh37 (hg19) VCF-style: chrX-49082436-A-T.
Other names: c.1424T>A, p.Phe475Tyr (NM_001256790.3); c.1619T>A, p.Phe540Tyr (NM_005183.4); c.1619T>A (NM_005183.3); short protein forms F475Y, F529Y, F540Y.
Identifiers: ClinVar variation 1418216 (VCV001418216.7), dbSNP rs782119108, ClinGen allele CA10410822.